The following is an entry in ClinVar:

ClinVar aggregate classification (germline): Pathogenic (1 of 4 stars; one submission).

Conditions:
Multiple sulfatase deficiency (MSD). Also called: Mucosulfatidosis; Multiple Sulfatase Deficiency Disease; Sulfatidosis, Juvenile, Austin Type. Identifiers: Orphanet 585, MedGen C0268263, MONDO:0010088, OMIM 272200.

Submission:

Myriad Genetics, Inc.
Classification: Pathogenic for Multiple sulfatase deficiency. Last evaluated: 2025-08-13. Review status: criteria provided, single submitter. Criteria: Myriad Autosomal Dominant, Autosomal Recessive and X-Linked Classification Criteria (2023). Collection method: clinical testing. Allele origin: unknown.
Comment: NM_182760.3(SUMF1):c.337G>T(E113*) is expected to be pathogenic in the context of multiple sulfatase deficiency. This variant is predicted to lead to an abnormal or absent protein product due to the creation of a premature termination codon in SUMF1, a gene where loss-of-function variants are known to be pathogenic. Please note: this variant was assessed in the context of healthy population screening.

NM_182760.4(SUMF1):c.337G>T (p.Glu113Ter)

Gene: SUMF1 (sulfatase modifying factor 1; minus strand). Cytogenetic location: 3p26.1.
Variant type: single nucleotide variant.
Coding change: c.337G>T on transcript NM_182760.4 (MANE Select); coding-DNA position 337, G replaced by T.
Protein change: p.Glu113Ter; replaces glutamic acid 113 with a stop codon.
Molecular consequence: nonsense.
Genome position (GRCh38, 1-based): chr3:4,452,983, C>A on the plus strand (G>T on the coding strand, the complement: SUMF1 is on the minus strand). VCF-style: chr3-4452983-C-A. GRCh37 (hg19) VCF-style: chr3-4494667-C-A.
Other names: c.337G>T, p.Glu113Ter (NM_001164674.2, NM_001164675.2); short protein forms E113*.
Identifiers: ClinVar variation 5014862 (VCV005014862.1).
Genomic context (GRCh38, chr3:4,452,983, plus strand): 5'-TACTGACTTCATAGGCATCCATGTAAAAGGCATCAATAGTAACTCTCCTCGCAGGTGCTT[C>A]CCCATCCTGCTTTATCTGAGGATCATCTGTGCCCATTGTAAATACTCCAGCAGGGATGGG-3'